The following is an entry in ClinVar:

NM_001142966.3(GREB1L):c.92T>G (p.Val31Gly)

Genes: GREB1L (GREB1 like retinoic acid receptor coactivator; plus strand), GREB1L-AS1 (GREB1L antisense RNA 1; minus strand). Cytogenetic location: 18q11.1.
Variant type: single nucleotide variant.
Coding change: c.92T>G on transcript NM_001142966.3 (MANE Select); coding-DNA position 92, T replaced by G.
Protein change: p.Val31Gly; replaces valine 31 with glycine.
Molecular consequence: missense variant.
Genome position (GRCh38, 1-based): chr18:21,383,610, T>G. VCF-style: chr18-21383610-T-G. GRCh37 (hg19) VCF-style: chr18-18963571-T-G.
Other names: c.92T>G, p.Val31Gly (NM_001410867.1, NM_001410868.1); short protein forms V31G.
Identifiers: ClinVar variation 2179494 (VCV002179494.4), dbSNP rs895725133, ClinGen allele CA296880329.

ClinVar aggregate classification (germline): Uncertain significance (1 of 4 stars; one submission).

Allele frequency attached by ClinVar (database versions not stated): gnomAD exomes below 0.00001; TOPMed 0.00002; gnomAD 0.00003.
gnomAD v4.1: 7 of 1,551,190 alleles (0.00045%); highest among the groups gnomAD compares: African/African-American, 0.0096%; no homozygotes.

Submission:

Labcorp Genetics (formerly Invitae), Labcorp
Classification: Uncertain significance. Last evaluated: 2025-06-12. Review status: criteria provided, single submitter. Criteria: Invitae Variant Classification Sherloc (09022015). Collection method: clinical testing. Allele origin: germline.
Comment: This sequence change replaces valine, which is neutral and non-polar, with glycine, which is neutral and non-polar, at codon 31 of the GREB1L protein (p.Val31Gly). This variant is not present in population databases (gnomAD no frequency). This variant has not been reported in the literature in individuals affected with GREB1L-related conditions. ClinVar contains an entry for this variant (Variation ID: 2179494). An algorithm developed to predict the effect of missense changes on protein structure and function (PolyPhen-2) suggests that this variant is likely to be tolerated. In summary, the available evidence is currently insufficient to determine the role of this variant in disease. Therefore, it has been classified as a Variant of Uncertain Significance.